The following is an entry in ClinVar:

NM_003060.4(SLC22A5):c.330G>C (p.Gln110His)

Gene: SLC22A5 (solute carrier family 22 member 5; plus strand). Cytogenetic location: 5q31.1.
Variant type: single nucleotide variant.
Coding change: c.330G>C on transcript NM_003060.4 (MANE Select); coding-DNA position 330, G replaced by C.
Protein change: p.Gln110His; replaces glutamine 110 with histidine.
Molecular consequence: missense variant.
Genome position (GRCh38, 1-based): chr5:132,370,302, G>C. VCF-style: chr5-132370302-G-C. GRCh37 (hg19) VCF-style: chr5-131705994-G-C.
Other names: c.330G>C, p.Gln110His (NM_001308122.2); short protein forms Q110H.
Identifiers: ClinVar variation 3769633 (VCV003769633.1).

ClinVar aggregate classification (germline): Uncertain significance (1 of 4 stars; one submission).

Conditions:
Renal carnitine transport defect (CDSP). Also called: CARNITINE DEFICIENCY, SYSTEMIC, DUE TO DEFECT IN RENAL REABSORPTION OF CARNITINE; CARNITINE TRANSPORTER, PLASMA-MEMBRANE, DEFICIENCY OF; CARNITINE UPTAKE DEFECT; Carnitine transporter deficiency; Carnitine Deficiency, Systemic; Systemic primary carnitine deficiency disease. Identifiers: Orphanet 158, MedGen C0342788, MONDO:0008919, OMIM 212140.

Submission:

Clinical Genomics Laboratory, Stanford Medicine
Classification: Uncertain significance for Renal carnitine transport defect. Last evaluated: 2022-05-18. Review status: criteria provided, single submitter. Criteria: ACMG Guidelines, 2015. Collection method: clinical testing. Allele origin: germline. Observed: 1 variant allele, 1 heterozygote.
Comment: The p.Gln110His variant in the SLC22A5 gene has not been previously reported in association with disease.This variant was absent from large population databases, including the Genome Aggregation Database. The glutamine at position 110 is not evolutionarily conserved. Computational tools predict that the p.Gln110His variant is deleterious; however, the accuracy of in silico algorithms is limited.These data were assessed using the ACMG/AMP variant interpretation guidelines. In summary, the significance of the p.Gln110His variant is uncertain. Additional information is needed to resolve the significance of this variant. [ACMG evidence codes used: PM2; PP3]